The following is an entry in ClinVar:

ClinVar aggregate classification (germline): Uncertain significance. Review status: criteria provided, multiple submitters, no conflicts (2 of 4 stars). 2 submissions from 2 submitters: Uncertain significance (2). Last evaluated 2023-10-25.

Conditions:
Inborn genetic diseases. Identifiers: MedGen C0950123, MeSH D030342.

Allele frequency attached by ClinVar (database versions not stated): TOPMed below 0.00001; ExAC 0.00001; gnomAD 0.00001; ESP Exome Variant Server 0.00008.
gnomAD v4.1: 7 of 1,598,800 alleles (0.00044%); highest among the groups gnomAD compares: Non-Finnish European, 0.0006%; no homozygotes.

Submissions (2):

Labcorp Genetics (formerly Invitae), Labcorp
Classification: Uncertain significance. Last evaluated: 2023-10-25. Review status: criteria provided, single submitter. Criteria: Invitae Variant Classification Sherloc (09022015). Collection method: clinical testing. Allele origin: germline.
Comment: This sequence change replaces leucine, which is neutral and non-polar, with valine, which is neutral and non-polar, at codon 125 of the LAMB1 protein (p.Leu125Val). This variant is present in population databases (rs142803003, gnomAD 0.0009%). This variant has not been reported in the literature in individuals affected with LAMB1-related conditions. ClinVar contains an entry for this variant (Variation ID: 2307568). An algorithm developed to predict the effect of missense changes on protein structure and function (PolyPhen-2) suggests that this variant is likely to be disruptive. In summary, the available evidence is currently insufficient to determine the role of this variant in disease. Therefore, it has been classified as a Variant of Uncertain Significance.

Ambry Genetics
Classification: Uncertain significance for Inborn genetic diseases. Last evaluated: 2022-08-16. Review status: criteria provided, single submitter. Criteria: Ambry Variant Classification Scheme 2023. Collection method: clinical testing. Allele origin: germline.

NM_002291.3(LAMB1):c.373C>G (p.Leu125Val)

Gene: LAMB1 (laminin subunit beta 1; minus strand). Cytogenetic location: 7q31.1.
Variant type: single nucleotide variant.
Coding change: c.373C>G on transcript NM_002291.3 (MANE Select); coding-DNA position 373, C replaced by G.
Protein change: p.Leu125Val; replaces leucine 125 with valine.
Molecular consequence: missense variant.
Genome position (GRCh38, 1-based): chr7:107,994,937, G>C on the plus strand (C>G on the coding strand, the complement: LAMB1 is on the minus strand). VCF-style: chr7-107994937-G-C. GRCh37 (hg19) VCF-style: chr7-107635382-G-C.
Other names: short protein forms L125V.
Identifiers: ClinVar variation 2307568 (VCV002307568.5), dbSNP rs142803003, ClinGen allele CA4436311.